The following is an entry in ClinVar:

NM_000179.3(MSH6):c.2028_2029del (p.Lys676_Ser677insTer)

Gene: MSH6 (mutS homolog 6; plus strand). Cytogenetic location: 2p16.3.
Variant type: Deletion.
Coding change: c.2028_2029del on transcript NM_000179.3 (MANE Select); coding-DNA positions 2028 to 2029, 2 bases deleted (AA; older notation c.2028_2029delAA).
Protein change: p.Lys676_Ser677insTer.
Molecular consequence: frameshift variant.
Genome position (GRCh38, 1-based): chr2:47,800,011-47,800,012, AA deleted; deleting any 2 consecutive bases within chr2:47,800,009-47,800,012 gives the same sequence; the c. name uses the placement nearest the transcript's 3' end. VCF-style (leftmost placement, unchanged base first): chr2-47800008-GAA-G. GRCh37 (hg19) VCF-style: chr2-48027147-GAA-G.
Other names: c.1638_1639del, p.Lys546_Ser547insTer (NM_001281492.2); c.1122_1123del, p.Lys374_Ser375insTer (NM_001281493.2, NM_001281494.2); c.2028_2029delAA (NM_000179.2).
Identifiers: ClinVar variation 419704 (VCV000419704.19), dbSNP rs1064794055, ClinGen allele CA16617665.

ClinVar aggregate classification (germline): Pathogenic. Review status: criteria provided, multiple submitters, no conflicts (2 of 4 stars). 5 submissions from 5 submitters: Pathogenic (4). 1 of the submissions does not count toward it. Last evaluated 2023-08-16.

Conditions:
Hereditary nonpolyposis colorectal neoplasms. Identifiers: MedGen C0009405, MeSH D003123.
Hereditary cancer-predisposing syndrome. Also called: Hereditary neoplastic syndrome; Tumor predisposition; Neoplastic Syndromes, Hereditary; Hereditary Cancer Syndrome. Identifiers: Orphanet 140162, MedGen C0027672, MeSH D009386, MONDO:0015356.
Lynch syndrome 5 (LYNCH5). Also called: Hereditary non-polyposis colorectal cancer, type 5; Colorectal cancer, hereditary nonpolyposis, type 5. Identifiers: Orphanet 144, MedGen C1833477, MONDO:0013710, OMIM 614350. Disease mechanism: loss of function.
Endometrial carcinoma. Also called: Endometrial carcinoma, somatic. Identifiers: MedGen C0476089, MONDO:0002447, OMIM 608089, HP:0012114.

Submissions (5):

Myriad Genetics, Inc.
Classification: Pathogenic for Lynch syndrome 5. Last evaluated: 2023-08-16. Review status: criteria provided, single submitter. Criteria: Myriad Autosomal Dominant, Autosomal Recessive and X-Linked Classification Criteria (2023). Collection method: clinical testing. Allele origin: unknown.
Comment: This variant is considered pathogenic. This variant creates a termination codon and is predicted to result in premature protein truncation.

Ambry Genetics
Classification: Pathogenic for Hereditary cancer-predisposing syndrome. Last evaluated: 2022-12-14. Review status: criteria provided, single submitter. Criteria: Ambry Variant Classification Scheme 2023. Collection method: clinical testing. Allele origin: germline.
Comment: The c.2028_2029delAA pathogenic mutation, located in coding exon 4 of the MSH6 gene, results from a deletion of two nucleotides at nucleotide positions 2028 to 2029, causing a translational frameshift with a predicted alternate stop codon (p.S677*). In addition to the clinical data presented in the literature, this alteration is expected to result in loss of function by premature protein truncation or nonsense-mediated mRNA decay. As such, this alteration is interpreted as a disease-causing mutation.

Labcorp Genetics (formerly Invitae), Labcorp
Classification: Pathogenic for Hereditary nonpolyposis colorectal neoplasms. Last evaluated: 2022-07-25. Review status: criteria provided, single submitter. Criteria: Invitae Variant Classification Sherloc (09022015). Collection method: clinical testing. Allele origin: germline.
Comment: For these reasons, this variant has been classified as Pathogenic. ClinVar contains an entry for this variant (Variation ID: 419704). This premature translational stop signal has been observed in individual(s) with colorectal cancer (PMID: 26099011). This variant is not present in population databases (gnomAD no frequency). This sequence change creates a premature translational stop signal (p.Ser677*) in the MSH6 gene. It is expected to result in an absent or disrupted protein product. Loss-of-function variants in MSH6 are known to be pathogenic (PMID: 18269114, 24362816).

GeneDx
Classification: Pathogenic. Last evaluated: 2017-04-25. Review status: criteria provided, single submitter. Criteria: GeneDx Variant Classification (06012015). Collection method: clinical testing. Allele origin: germline. Affected: yes.
Comment: This pathogenic variant is denoted MSH6 c.2028_2029delAA at the cDNA level and p.Ser677Ter (S677X) at the protein level. The substitution creates a nonsense variant, which changes a Serine to a premature stop codon (AGT>TGA), and is predicted to cause loss of normal protein function through either protein truncation or nonsense-mediated mRNA decay. This variant was observed in at least one individual with colorectal cancer, whose tumor exhibited microsatellite instability and absence of MSH6 protein on immunohistochemistry (Graham 2015). This variant is considered pathogenic.

Department of Pathology and Laboratory Medicine, Sinai Health System
Classification: Pathogenic for Endometrial carcinoma. Review status: no assertion criteria provided. Collection method: clinical testing. Allele origin: unknown. Affected: yes. Observed: 1 variant allele. Study: The Canadian Open Genetics Repository (COGR). Not counted in ClinVar's aggregate classification.
Comment: The MSH6 p.Ser677* variant was identified in the literature however the frequency of this variant in an affected population was not provided. The variant was also identified in ClinVar (classified as pathogenic by GeneDx and Invitae). The variant was not identified in dbSNP, GeneInsight-COGR, Cosmic, UMD-LSDB, Zhejiang University Database, Mismatch Repair Genes Variant Database, or Insight Hereditary Tumors databases. The variant was not identified in the following control databases: the 1000 Genomes Project, the NHLBI GO Exome Sequencing Project, the Exome Aggregation Consortium (August 8th 2016), or the Genome Aggregation Database (Feb 27, 2017). The c.2028_2029del variant leads to a premature stop codon at position 677 which is predicted to lead to a truncated or absent protein and loss of function. Loss of function variants of the MSH6 gene are an established mechanism of disease in MSH6 associated cancers and is the type of variant expected to cause the disorder. The variant occurs outside of the splicing consensus sequence and 1 of 5 in silico or computational prediction software programs (SpliceSiteFinder, MaxEntScan, NNSPLICE, GeneSplicer, HumanSpliceFinder) predict a greater than 10% difference in splicing; this is not very predictive of pathogenicity. In addition, review of MMR immunohistochemistry on the mutation revealed complete loss of MSH6 (Graham 2015). In summary, based on the above information this variant meets our laboratoryâ€šÃ„Ã´s criteria to be classified as pathogenic.

Literature cited by the submitters: PubMed 26099011 (cited by Ambry Genetics and Labcorp Genetics (formerly Invitae), Labcorp); PubMed 18269114 (cited by Labcorp Genetics (formerly Invitae), Labcorp); PubMed 24362816 (cited by Labcorp Genetics (formerly Invitae), Labcorp).